The following is an entry in ClinVar:

NM_000843.4(GRM6):c.1591G>A (p.Val531Met)

Genes: GRM6 (glutamate metabotropic receptor 6; minus strand), ZNF454 (zinc finger protein 454; plus strand). Cytogenetic location: 5q35.3.
Variant type: single nucleotide variant.
Coding change: c.1591G>A on transcript NM_000843.4 (MANE Select); coding-DNA position 1591, G replaced by A.
Protein change: p.Val531Met; replaces valine 531 with methionine.
Molecular consequence: missense variant.
Genome position (GRCh38, 1-based): chr5:178,986,663, C>T on the plus strand (G>A on the coding strand, the complement: GRM6 is on the minus strand). VCF-style: chr5-178986663-C-T. GRCh37 (hg19) VCF-style: chr5-178413664-C-T.
Other names: short protein forms V531M.
Identifiers: ClinVar variation 1055109 (VCV001055109.9), dbSNP rs1374441716, ClinGen allele CA362427863.

ClinVar aggregate classification (germline): Uncertain significance (1 of 4 stars; one submission).

Allele frequency attached by ClinVar (database versions not stated): gnomAD exomes 0.00001.
gnomAD v4.1: 16 of 1,602,864 alleles (0.001%); highest among the groups gnomAD compares: Non-Finnish European, 0.0014%; no homozygotes.

Submission:

Labcorp Genetics (formerly Invitae), Labcorp
Classification: Uncertain significance. Last evaluated: 2020-08-04. Review status: criteria provided, single submitter. Criteria: Invitae Variant Classification Sherloc (09022015). Collection method: clinical testing. Allele origin: germline.
Comment: In summary, the available evidence is currently insufficient to determine the role of this variant in disease. Therefore, it has been classified as a Variant of Uncertain Significance. Algorithms developed to predict the effect of missense changes on protein structure and function are either unavailable or do not agree on the potential impact of this missense change (SIFT: "Deleterious"; PolyPhen-2: "Probably Damaging"; Align-GVGD: "Class C0"). This variant has not been reported in the literature in individuals with GRM6-related conditions. This variant is not present in population databases (ExAC no frequency). This sequence change replaces valine with methionine at codon 531 of the GRM6 protein (p.Val531Met). The valine residue is highly conserved and there is a small physicochemical difference between valine and methionine.